The following is an entry in ClinVar:

ClinVar aggregate classification (germline): Likely benign (1 of 4 stars; one submission).

gnomAD v4.1: 1 of 1,614,134 alleles (0.000062%); highest among the groups gnomAD compares: Non-Finnish European, 0.000085%; no homozygotes.

Submission:

Women's Health and Genetics/Laboratory Corporation of America, LabCorp
Classification: Likely benign. Last evaluated: 2024-11-06. Review status: criteria provided, single submitter. Criteria: LabCorp Variant Classification Summary - May 2015. Collection method: clinical testing. Allele origin: germline.
Comment: Variant summary: KCNQ3 c.2169G>C alters a conserved nucleotide resulting in a synonymous change. Consensus agreement among computation tools predict no significant impact on normal splicing. However, these predictions have yet to be confirmed by functional studies. The variant was absent in 251292 control chromosomes. The available data on variant occurrences in the general population are insufficient to allow any conclusion about variant significance. To our knowledge, no occurrence of c.2169G>C in individuals affected with Benign Familial Neonatal Seizures 2 and no experimental evidence demonstrating its impact on protein function have been reported. No submitters have cited clinical-significance assessments for this variant to ClinVar. Based on the evidence outlined above, the variant was classified as likely benign.

NM_004519.4(KCNQ3):c.2169G>C (p.Gly723=)

Gene: KCNQ3 (potassium voltage-gated channel subfamily Q member 3; minus strand). Cytogenetic location: 8q24.22.
Variant type: single nucleotide variant.
Coding change: c.2169G>C on transcript NM_004519.4 (MANE Select); coding-DNA position 2169, G replaced by C.
Protein change: p.Gly723=; no amino-acid change (glycine 723 retained).
Molecular consequence: synonymous variant.
Genome position (GRCh38, 1-based): chr8:132,129,712, C>G on the plus strand (G>C on the coding strand, the complement: KCNQ3 is on the minus strand). VCF-style: chr8-132129712-C-G. GRCh37 (hg19) VCF-style: chr8-133141959-C-G.
Other names: c.1809G>C, p.Gly603= (NM_001204824.2).
Identifiers: ClinVar variation 3629802 (VCV003629802.1).